The following is an entry in ClinVar:

NM_001062.4(TCN1):c.82del (p.Glu27_Val28insTer)

Gene: TCN1 (transcobalamin 1; minus strand). Cytogenetic location: 11q12.1.
Variant type: Deletion.
Coding change: c.82del on transcript NM_001062.4 (MANE Select); coding-DNA position 82, one base deleted (G; older notation c.82delG).
Protein change: p.Glu27_Val28insTer.
Molecular consequence: nonsense.
Genome position (GRCh38, 1-based): chr11:59,864,084, C deleted on the plus strand (G on the coding strand, the reverse complement: TCN1 is on the minus strand); the first of 2 consecutive C bases (chr11:59,864,084-59,864,085); deleting either gives the same sequence. VCF-style (leftmost placement, unchanged base first): chr11-59864083-AC-A. GRCh37 (hg19) VCF-style: chr11-59631556-AC-A.
Identifiers: ClinVar variation 2745906 (VCV002745906.3), dbSNP rs2495751032, ClinGen allele CA2574834454.
Genomic context (GRCh38, chr11:59,864,083, plus strand): 5'-TAGTTTGACTGGATCATTGTATTCAACAGAGGTTTTAGGCGGATGTAGTTTTCTTCACTT[AC>A]CTCTGTGGCAGAGAAGGAAGGAAATAAGAAACACATACTCAGAAAATAGTAAGACTTGCA-3'

ClinVar aggregate classification (germline): Pathogenic (1 of 4 stars; one submission).

Conditions:
Transcobalamin I deficiency (TCN1D). Also called: TCN1 DEFICIENCY; COBALAMIN PSEUDODEFICIENCY DUE TO TRANSCOBALAMIN DEFICIENCY; COBALAMIN R BINDER PROTEIN DEFICIENCY. Identifiers: Orphanet 2967, MedGen C0342700, MONDO:0008659, OMIM 193090.

Submission:

Labcorp Genetics (formerly Invitae), Labcorp
Classification: Pathogenic for Transcobalamin I deficiency. Last evaluated: 2023-12-10. Review status: criteria provided, single submitter. Criteria: Invitae Variant Classification Sherloc (09022015). Collection method: clinical testing. Allele origin: germline.
Comment: This sequence change creates a premature translational stop signal (p.Val28*) in the TCN1 gene. It is expected to result in an absent or disrupted protein product. Loss-of-function variants in TCN1 are known to be pathogenic (PMID: 19686235). This variant is not present in population databases (gnomAD no frequency). This variant has not been reported in the literature in individuals affected with TCN1-related conditions. For these reasons, this variant has been classified as Pathogenic.

Literature cited by the submitters: PubMed 19686235.